The following is an entry in ClinVar:

ClinVar aggregate classification (germline): Uncertain significance (1 of 4 stars; one submission).

Submission:

Labcorp Genetics (formerly Invitae), Labcorp
Classification: Uncertain significance. Last evaluated: 2021-07-15. Review status: criteria provided, single submitter. Criteria: Invitae Variant Classification Sherloc (09022015). Collection method: clinical testing. Allele origin: germline.
Comment: Algorithms developed to predict the effect of missense changes on protein structure and function are either unavailable or do not agree on the potential impact of this missense change (SIFT: "Deleterious"; PolyPhen-2: "Probably Damaging"; Align-GVGD: "Class C0"). In summary, the available evidence is currently insufficient to determine the role of this variant in disease. Therefore, it has been classified as a Variant of Uncertain Significance. This variant has not been reported in the literature in individuals affected with WBP2-related conditions. This variant is not present in population databases (ExAC no frequency). This sequence change replaces proline with threonine at codon 251 of the WBP2 protein (p.Pro251Thr). The proline residue is highly conserved and there is a small physicochemical difference between proline and threonine.

NM_012478.4(WBP2):c.751C>A (p.Pro251Thr)

Gene: WBP2 (WW domain binding protein 2; minus strand). Cytogenetic location: 17q25.1.
Variant type: single nucleotide variant.
Coding change: c.751C>A on transcript NM_012478.4 (MANE Select); coding-DNA position 751, C replaced by A.
Protein change: p.Pro251Thr; replaces proline 251 with threonine.
Molecular consequence: missense variant.
Genome position (GRCh38, 1-based): chr17:75,846,769, G>T on the plus strand (C>A on the coding strand, the complement: WBP2 is on the minus strand). VCF-style: chr17-75846769-G-T. GRCh37 (hg19) VCF-style: chr17-73842850-G-T.
Other names: c.616C>A, p.Pro206Thr (NM_001330499.2); c.751C>A, p.Pro251Thr (NM_001348170.1); short protein forms P251T, P206T.
Identifiers: ClinVar variation 1367795 (VCV001367795.8), dbSNP rs2143913584, ClinGen allele CA401121980.